The following is an entry in ClinVar:

NM_005633.4(SOS1):c.322G>A (p.Glu108Lys)

Gene: SOS1 (SOS Ras/Rac guanine nucleotide exchange factor 1; minus strand). Cytogenetic location: 2p22.1.
Variant type: single nucleotide variant.
Coding change: c.322G>A on transcript NM_005633.4 (MANE Select); coding-DNA position 322, G replaced by A.
Protein change: p.Glu108Lys; replaces glutamic acid 108 with lysine.
Molecular consequence: missense variant.
Genome position (GRCh38, 1-based): chr2:39,058,696, C>T on the plus strand (G>A on the coding strand, the complement: SOS1 is on the minus strand). VCF-style: chr2-39058696-C-T. GRCh37 (hg19) VCF-style: chr2-39285837-C-T.
Other names: p.E108K:GAA>AAA; NM_005633.3(SOS1):c.322G>A; c.301G>A, p.Glu101Lys (NM_001382394.1); c.322G>A, p.Glu108Lys (NM_001382395.1); short protein forms E108K, E101K.
Identifiers: ClinVar variation 40649 (VCV000040649.25), dbSNP rs397517164, ClinGen allele CA261739.

ClinVar aggregate classification (germline): Pathogenic. Review status: reviewed by expert panel (3 of 4 stars). 9 submissions from 9 submitters: Pathogenic (1). 8 of the submissions do not count toward it. Last evaluated 2017-04-03.

Conditions:
SOS1-related disorder. Also called: SOS1-related condition.
Noonan syndrome and Noonan-related syndrome. Identifiers: Orphanet 98733, MedGen C5681679, MONDO:0020297.
RASopathy. Also called: rasopathies; Noonan spectrum disorder. Identifiers: Orphanet 536391, MedGen C5555857, MONDO:0021060.
Noonan syndrome (NS). Also called: Noonan's syndrome. Identifiers: Orphanet 648, MedGen C0028326, MeSH D009634, MONDO:0018997. Disease mechanism: gain of function.
Noonan syndrome 4 (NS4). Also called: NOONAN SYNDROME WITH PIGMENTED VILLONODULAR SYNOVITIS; SOS1-Related Noonan Syndrome. Identifiers: Orphanet 648, MedGen C1853120, MONDO:0012547, OMIM 610733.

Submissions (9):

ClinGen RASopathy Variant Curation Expert Panel
Classification: Pathogenic for Noonan syndrome. Last evaluated: 2017-04-03. Review status: reviewed by expert panel. Criteria: ClinGen RASopathy ACMG Specifications v1. Collection method: curation. Allele origin: germline. Inheritance: Autosomal dominant inheritance.
Comment: The c.322G>A (p.Glu108Lys) variant in SOS1 has been reported as confirmed and unconfirmed occurrences in patients with clinical features of a RASopathy (PM6 and PS2; GeneDx, Partners LMM, APHP-Robert DebrâˆšÂ© Hospital internal data GTR Lab ID: 26957, 21766, 28338; ClinVar SCV000209088.9, SCV000062224.5, SCV000659144.2). The p.Glu108Lys variant has been identified in several independent occurrences in patients with clinical features of a RASopathy (PS4_Moderate; GeneDx, Partners LMM, APHP-Robert DebrâˆšÂ© Hospital internal data GTR Lab ID: 26957, 21766, 28338; ClinVar SCV000209088.9, SCV000062224.5, SCV000659144.2; PMID: 17143282; 23487764). In vitro functional studies provide some evidence that the p.Glu108Lys variant may impact protein function (PS3; PMID: 17143282, 23487764). This variant was absent from large population studies (PM2; ExAC). The variant is located in the SOS1 gene, which has been defined by the ClinGen RASopathy Expert Panel as a gene with a low rate of benign missense variants and pathogenic missense variants are common (PP2; PMID: 29493581). In summary, this variant meets criteria to be classified as pathogenic for RASopathies in an autosomal dominant manner. Rasopathy-specific ACMG/AMP criteria applied (PMID:29493581): PS2, PS3, PM6, PS4_Moderate, PM2, PP2.

GeneDx
Classification: Pathogenic. Last evaluated: 2026-08-28. Review status: criteria provided, single submitter. Criteria: GeneDx Variant Classification Process June 2021. Collection method: clinical testing. Allele origin: germline. Not counted in ClinVar's aggregate classification.
Comment: Published functional studies demonstrate E108K increases the activation of RAS binding (PMID: 20133692, 24270602); Not observed at significant frequency in large population cohorts (gnomAD); Missense variants in this gene are a common cause of disease and they are underrepresented in the general population; In silico analysis supports that this missense variant has a deleterious effect on protein structure/function; This variant is associated with the following publications: (PMID: 23452850, 20133694, 23487764, 20133692, 24270602, 24803665, 33318624, 33057194, 35982159, 29493581, 17143282, 21387466)

Dasa
Classification: Pathogenic. Last evaluated: 2025-08-22. Review status: criteria provided, single submitter. Criteria: DASA Assertion Criteria. Collection method: clinical testing. Allele origin: germline. Not counted in ClinVar's aggregate classification.
Comment: NM_005633.4(SOS1):c.322G>A (p.Glu108Lys) is a missense variant that results in the substitution of glutamic acid with lysine. De novo occurrence has been reported in an individual with related phenotype. This variant has been recurrently observed in individuals with related phenotype (PMID: 37576960; PMID: 17143282; PMID: 21387466; PMID: 23487764; PMID: 20133692). Multiple computational predictions support a deleterious effect on the gene or gene product. The variant is present at low frequency in population datasets. Based on the available data, this variant is classified as pathogenic.

Blueprint Genetics
Classification: Pathogenic for SOS1-related disorders. Last evaluated: 2024-03-11. Review status: criteria provided, single submitter. Criteria: ACMG Guidelines, 2015. Collection method: clinical testing. Allele origin: germline. Affected: yes. Observed: 1 variant allele. Not counted in ClinVar's aggregate classification.

Labcorp Genetics (formerly Invitae), Labcorp
Classification: Pathogenic for RASopathy. Last evaluated: 2023-06-27. Review status: criteria provided, single submitter. Criteria: Invitae Variant Classification Sherloc (09022015). Collection method: clinical testing. Allele origin: germline. Not counted in ClinVar's aggregate classification.
Comment: For these reasons, this variant has been classified as Pathogenic. This sequence change replaces glutamic acid, which is acidic and polar, with lysine, which is basic and polar, at codon 108 of the SOS1 protein (p.Glu108Lys). This variant is not present in population databases (gnomAD no frequency). This missense change has been observed in individuals with Noonan Syndrome (PMID: 17143282, 21387466). ClinVar contains an entry for this variant (Variation ID: 40649). Advanced modeling of protein sequence and biophysical properties (such as structural, functional, and spatial information, amino acid conservation, physicochemical variation, residue mobility, and thermodynamic stability) has been performed at Invitae for this missense variant, however the output from this modeling did not meet the statistical confidence thresholds required to predict the impact of this variant on SOS1 protein function. Experimental studies have shown that this missense change affects SOS1 function (PMID: 20133692, 20133694).

Women's Health and Genetics/Laboratory Corporation of America, LabCorp
Classification: Pathogenic for RASopathy. Last evaluated: 2021-08-15. Review status: criteria provided, single submitter. Criteria: LabCorp Variant Classification Summary - May 2015. Collection method: clinical testing. Allele origin: germline. Not counted in ClinVar's aggregate classification.
Comment: Variant summary: SOS1 c.322G>A (p.Glu108Lys) results in a conservative amino acid change located in the Histone H2A/H2B/H3 domain (IPR007125) of the encoded protein sequence. Three of five in-silico tools predict a damaging effect of the variant on protein function. The variant was absent in 251142 control chromosomes. c.322G>A has been reported in the literature in individuals affected with Noonan Syndrome (example, Tartaglia_2007, Lepri_2011, Kauffman_2020). At least two publications report experimental evidence evaluating an impact on protein function. The most pronounced variant effect results in an induction of pERK (i.e., increased RAS/MAPK output) via increased membrane association (example, Smith_2013, Gureasko_2009). Two clinical diagnostic laboratories and an expert panel (ClinGen RASopathy Variant Curation Expert Panel) have submitted clinical-significance assessments for this variant to ClinVar after 2014. All submitters classified the variant as pathogenic. Based on the evidence outlined above, the variant was classified as pathogenic.

Genome Diagnostics Laboratory, The Hospital for Sick Children
Classification: Pathogenic for Noonan syndrome and Noonan-related syndrome. Last evaluated: 2020-01-01. Review status: criteria provided, single submitter. Criteria: ACMG Guidelines, 2015. Collection method: clinical testing. Allele origin: germline. Affected: yes. Not counted in ClinVar's aggregate classification.

Laboratory for Molecular Medicine, Mass General Brigham Personalized Medicine
Classification: Likely pathogenic for Noonan syndrome. Last evaluated: 2013-12-17. Review status: criteria provided, single submitter. Criteria: LMM Criteria. Collection method: clinical testing. Allele origin: germline. Inheritance: Autosomal dominant inheritance. Observed: 3 variant alleles. Not counted in ClinVar's aggregate classification.
Comment: The Glu108Lys variant in SOS1 has been reported in 6 individuals with clinical f eatures of Noonan syndrome and segregated with disease in 1 affected relative (T artaglia 2007, Lepri 2011, LMM unpublished data). This variant has not been iden tified in large population studies. Functional studies have shown that the Glu10 8Lys variant leads to increased activation of SOS1 protein (Gureasko 2010, Smith 2013, Saliba 2013, Findlay 2013). However, these in vitro assays may not accura tely represent biological function. In summary, this variant is likely pathogeni c, though additional studies are required to fully establish its clinical signif icance.

Juno Genomics, Hangzhou Juno Genomics, Inc
Classification: Likely pathogenic for Noonan syndrome 4. Review status: criteria provided, single submitter. Criteria: ACMG Guidelines, 2015. Collection method: clinical testing. Allele origin: germline. Affected: yes. Not counted in ClinVar's aggregate classification.
Comment: Absent from controls (or at extremely low frequency if recessive) in Genome Aggregation Database, Exome Sequencing Project, 1000 Genomes Project, or Exome Aggregation Consortium.;Well-established in vitro or in vivo functional studies supportive of a damaging effect on the gene or gene product.;The prevalence of the variant in affected individuals is significantly increased compared to the prevalence in controls.

Literature cited by the submitters: PubMed 23487764 (cited by 4 submitters); PubMed 17143282 (cited by 5 submitters); PubMed 37576960 (cited by Dasa); PubMed 21387466 (cited by 4 submitters); PubMed 20133692 (cited by 4 submitters); PubMed 20133694 (cited by 3 submitters); PubMed 31573083 (cited by Women's Health and Genetics/Laboratory Corporation of America, LabCorp); PubMed 33318624 (cited by Women's Health and Genetics/Laboratory Corporation of America, LabCorp); PubMed 23452850 (cited by Laboratory for Molecular Medicine, Mass General Brigham Personalized Medicine); PubMed 24270602 (cited by Laboratory for Molecular Medicine, Mass General Brigham Personalized Medicine).